The following is an entry in ClinVar:

ClinVar aggregate classification (germline): Conflicting classifications of pathogenicity. Review status: criteria provided, conflicting classifications (1 of 4 stars). 6 submissions from 6 submitters: Uncertain significance (1); Benign (1); Likely benign (3). 1 of the submissions does not count toward it. Last evaluated 2026-08-01.

Conditions:
ROBO3-related disorder. Also called: ROBO3-related condition.
Inborn genetic diseases. Identifiers: MedGen C0950123, MeSH D030342.
Gaze palsy, familial horizontal, with progressive scoliosis 1 (HGPPS1). Identifiers: Orphanet 2744, MedGen C4551964, MONDO:0020790, OMIM 607313.

Allele frequency attached by ClinVar (database versions not stated): gnomAD 0.00128 and 0.00148; ESP Exome Variant Server 0.00148; TOPMed 0.00175; 1000 Genomes Project 30x 0.00219; 1000 Genomes Project 0.00240; gnomAD exomes 0.00244; ExAC 0.00265.

Submissions (6):

CeGaT Center for Human Genetics Tuebingen
Classification: Likely benign. Last evaluated: 2026-08-01. Review status: criteria provided, single submitter. Criteria: CeGaT Center For Human Genetics Tuebingen Variant Classification Criteria Version 2. Collection method: clinical testing. Allele origin: germline. Affected: yes. Observed: 3 variant alleles.
Comment: ROBO3: BP4, BS2

Blueprint Genetics
Classification: Likely benign. Last evaluated: 2024-11-23. Review status: criteria provided, single submitter. Criteria: ACMG Guidelines, 2015. Collection method: clinical testing. Allele origin: germline.

Ambry Genetics
Classification: Uncertain significance for Inborn genetic diseases. Last evaluated: 2024-04-08. Review status: criteria provided, single submitter. Criteria: Ambry Variant Classification Scheme 2023. Collection method: clinical testing. Allele origin: germline.

Labcorp Genetics (formerly Invitae), Labcorp
Classification: Benign. Last evaluated: 2019-12-31. Review status: criteria provided, single submitter. Criteria: Invitae Variant Classification Sherloc (09022015). Collection method: clinical testing. Allele origin: germline.

Illumina Laboratory Services, Illumina
Classification: Likely benign for Gaze palsy, familial horizontal, with progressive scoliosis 1. Last evaluated: 2018-01-13. Review status: criteria provided, single submitter. Criteria: ICSL Variant Classification Criteria 13 December 2019. Collection method: clinical testing. Allele origin: germline.
Comment: This variant was observed in the ICSL laboratory as part of a predisposition screen in an ostensibly healthy population. It had not been previously curated by ICSL or reported in the Human Gene Mutation Database (HGMD: prior to June 1st, 2018), and was therefore a candidate for classification through an automated scoring system. Utilizing variant allele frequency, disease prevalence and penetrance estimates, and inheritance mode, an automated score was calculated to assess if this variant is too frequent to cause the disease. Based on the score and internal cut-off values, a variant classified as likely benign is not then subjected to further curation. The score for this variant resulted in a classification of likely benign for this disease.

PreventionGenetics, part of Exact Sciences
Classification: Likely benign for ROBO3-related condition. Last evaluated: 2019-09-19. Review status: no assertion criteria provided. Collection method: clinical testing. Allele origin: germline. Not counted in ClinVar's aggregate classification.
Comment: This variant is classified as likely benign based on ACMG/AMP sequence variant interpretation guidelines (Richards et al. 2015 PMID: 25741868, with internal and published modifications).

NM_022370.4(ROBO3):c.968C>T (p.Thr323Met)

Gene: ROBO3 (roundabout guidance receptor 3; plus strand). Cytogenetic location: 11q24.2.
Variant type: single nucleotide variant.
Coding change: c.968C>T on transcript NM_022370.4 (MANE Select); coding-DNA position 968, C replaced by T.
Protein change: p.Thr323Met; replaces threonine 323 with methionine.
Molecular consequence: missense variant.
Genome position (GRCh38, 1-based): chr11:124,870,663, C>T. VCF-style: chr11-124870663-C-T. GRCh37 (hg19) VCF-style: chr11-124740559-C-T.
Other names: short protein forms T323M.
Identifiers: ClinVar variation 303231 (VCV000303231.29), dbSNP rs151168595, ClinGen allele CA6343359.